The following is an entry in ClinVar:

ClinVar aggregate classification (germline): Uncertain significance (1 of 4 stars; one submission).

Submission:

Women's Health and Genetics/Laboratory Corporation of America, LabCorp
Classification: Uncertain significance. Last evaluated: 2025-09-23. Review status: criteria provided, single submitter. Criteria: LabCorp Variant Classification Summary - May 2015. Collection method: clinical testing. Allele origin: germline.
Comment: Variant summary: PAX2 c.743_744delinsCC (p.Arg248Pro) results in a non-conservative amino acid change in the encoded protein sequence. Algorithms developed to predict the effect of missense changes on protein structure and function are either unavailable or do not agree on the potential impact of this missense change. The variant was absent in 1607092 control chromosomes (gnomAD). The available data on variant occurrences in the general population are insufficient to allow any conclusion about variant significance. To our knowledge, no occurrence of c.743_744delinsCC in individuals affected with PAX2-related conditions and no experimental evidence demonstrating its impact on protein function have been reported. No submitters have cited clinical-significance assessments for this variant to ClinVar. Based on the evidence outlined above, the variant was classified as uncertain significance.

NM_000278.5(PAX2):c.674_675inv (p.Arg225Pro)

Gene: PAX2 (paired box 2; plus strand). Cytogenetic location: 10q24.31.
Variant type: Inversion.
Coding change: c.674_675inv on transcript NM_000278.5 (MANE Select).
Protein change: p.Arg225Pro; replaces arginine 225 with proline.
Molecular consequence: missense variant.
Genome position: GRCh38 VCF-style: chr10-100806487-GG-CC. GRCh37 (hg19) VCF-style: chr10-102566244-GG-CC.
Other names: c.743_744delinsCC (NM_003987.5); c.767_768inv, p.Arg256Pro (NM_001304569.2); c.743_744inv, p.Arg248Pro (NM_003987.5, NM_003990.5); c.674_675inv, p.Arg225Pro (NM_003988.5, NM_003989.5); short protein forms R225P, R248P, R256P.
Identifiers: ClinVar variation 4536048 (VCV004536048.1).
Genomic context (GRCh38, chr10:100,806,487, plus strand): 5'-CAGATGTGTCTGAGGGCTCAGTCCCCAATGGAGATTCCCAGAGTGGTGTGGACAGTTTGC[GG>CC]AAGCACTTGCGAGCTGACACCTTCACCCAGCAGCAGCTGGAAGCTTTGGATCGGGTCTTT-3'
Protein context (NP_000269.3, residues 215-235): GDSQSGVDSL[Arg225Pro]KHLRADTFTQ